The following is an entry in ClinVar:

NM_030632.3(ASXL3):c.5424G>A (p.Lys1808=)

Gene: ASXL3 (ASXL transcriptional regulator 3; plus strand). Cytogenetic location: 18q12.1.
Variant type: single nucleotide variant.
Coding change: c.5424G>A on transcript NM_030632.3 (MANE Select); coding-DNA position 5424, G replaced by A.
Protein change: p.Lys1808=; no amino-acid change (lysine 1808 retained).
Molecular consequence: synonymous variant.
Genome position (GRCh38, 1-based): chr18:33,745,272, G>A. VCF-style: chr18-33745272-G-A. GRCh37 (hg19) VCF-style: chr18-31325236-G-A.
Other names: c.5424G>A (NM_030632.2).
Identifiers: ClinVar variation 4534372 (VCV004534372.8).
Genomic context (GRCh38, chr18:33,745,272, plus strand): 5'-TAAAACAGCACCAGAGAGAAACGTTGAAATTCCGCCCAGCTCTCCAAATCCAGATGGTAA[G>A]GGCTACTTGGCAGGGACTCTGGCACCACTCCAAATGAGAAAGCGAGAAAACCACCCCAAA-3'
Protein context (NP_085135.1, residues 1798-1818): IPPSSPNPDG[Lys1808=]GYLAGTLAPL

ClinVar aggregate classification (germline): Likely benign. Review status: criteria provided, multiple submitters, no conflicts (2 of 4 stars). 3 submissions from 3 submitters: Likely benign (3). Last evaluated 2026-03-03.

Conditions:
ASXL3-related disorder. Also called: ASXL3-related condition. Identifiers: MedGen CN381524.

gnomAD v4.1: 56 of 1,613,976 alleles (0.0035%); highest among the groups gnomAD compares: East Asian, 0.058%; no homozygotes.

Submissions (3):

PreventionGenetics, part of Exact Sciences
Classification: Likely benign for ASXL3-related condition. Last evaluated: 2026-03-03. Review status: criteria provided, single submitter. Criteria: ACMG Guidelines, 2015. Collection method: clinical testing. Allele origin: germline.
Comment: This variant is classified as likely benign based on ACMG/AMP sequence variant interpretation guidelines (Richards et al. 2015 PMID: 25741868, with internal and published modifications).

CeGaT Center for Human Genetics Tuebingen
Classification: Likely benign. Last evaluated: 2025-10-01. Review status: criteria provided, single submitter. Criteria: CeGaT Center For Human Genetics Tuebingen Variant Classification Criteria Version 2. Collection method: clinical testing. Allele origin: germline. Affected: yes. Observed: 1 variant allele.
Comment: ASXL3: BP4, BP7

Blueprint Genetics
Classification: Likely benign. Last evaluated: 2024-10-03. Review status: criteria provided, single submitter. Criteria: ACMG Guidelines, 2015. Collection method: clinical testing. Allele origin: germline.